The following is an entry in ClinVar:

NM_001163435.3(TBCK):c.2675A>C (p.Gln892Pro)

Gene: TBCK (TBC1 domain containing kinase; minus strand). Cytogenetic location: 4q24.
Variant type: single nucleotide variant.
Coding change: c.2675A>C on transcript NM_001163435.3 (MANE Select); coding-DNA position 2675, A replaced by C.
Protein change: p.Gln892Pro; replaces glutamine 892 with proline.
Molecular consequence: missense variant.
Genome position (GRCh38, 1-based): chr4:106,046,577, T>G on the plus strand (A>C on the coding strand, the complement: TBCK is on the minus strand). VCF-style: chr4-106046577-T-G. GRCh37 (hg19) VCF-style: chr4-106967734-T-G.
Other names: c.2675A>C, p.Gln892Pro (NM_001163436.4); c.2558A>C, p.Gln853Pro (NM_001163437.3); c.2159A>C, p.Gln720Pro (NM_001290768.2); c.2486A>C, p.Gln829Pro (NM_033115.5); short protein forms Q853P, Q720P, Q829P, Q892P.
Identifiers: ClinVar variation 1360721 (VCV001360721.6), dbSNP rs2149438698, ClinGen allele CA357971222.

ClinVar aggregate classification (germline): Uncertain significance (1 of 4 stars; one submission).

gnomAD v4.1: 1 of 1,588,742 alleles (0.000063%); highest among the groups gnomAD compares: South Asian, 0.0011%; no homozygotes.

Submission:

Labcorp Genetics (formerly Invitae), Labcorp
Classification: Uncertain significance. Last evaluated: 2021-09-26. Review status: criteria provided, single submitter. Criteria: Invitae Variant Classification Sherloc (09022015). Collection method: clinical testing. Allele origin: germline.
Comment: In summary, the available evidence is currently insufficient to determine the role of this variant in disease. Therefore, it has been classified as a Variant of Uncertain Significance. Algorithms developed to predict the effect of missense changes on protein structure and function are either unavailable or do not agree on the potential impact of this missense change (SIFT: "Deleterious"; PolyPhen-2: "Possibly Damaging"; Align-GVGD: "Class C0"). This variant has not been reported in the literature in individuals with TBCK-related conditions. This variant is not present in population databases (ExAC no frequency). This sequence change replaces glutamine with proline at codon 892 of the TBCK protein (p.Gln892Pro). The glutamine residue is moderately conserved and there is a moderate physicochemical difference between glutamine and proline.